The following is an entry in ClinVar:

ClinVar aggregate classification (germline): Conflicting classifications of pathogenicity. Review status: criteria provided, conflicting classifications (1 of 4 stars). 2 submissions from 2 submitters: Uncertain significance (1); Likely benign (1). Last evaluated 2025-08-03.

Conditions:
Infantile spasms. Also called: Infantile spasm. Identifiers: MedGen C3887898, HP:0012469.

Allele frequency attached by ClinVar (database versions not stated): gnomAD exomes below 0.00001; TOPMed below 0.00001.

Submissions (2):

Labcorp Genetics (formerly Invitae), Labcorp
Classification: Uncertain significance for Infantile spasms. Last evaluated: 2025-08-03. Review status: criteria provided, single submitter. Criteria: Invitae Variant Classification Sherloc (09022015). Collection method: clinical testing. Allele origin: germline.
Comment: This sequence change replaces arginine, which is basic and polar, with glutamine, which is neutral and polar, at codon 106 of the PIK3AP1 protein (p.Arg106Gln). This variant is present in population databases (no rsID available, gnomAD 0.0009%). This variant has not been reported in the literature in individuals affected with PIK3AP1-related conditions. ClinVar contains an entry for this variant (Variation ID: 1465739). An algorithm developed to predict the effect of missense changes on protein structure and function outputs the following: PolyPhen-2: "Benign". The glutamine amino acid residue is found in multiple mammalian species, which suggests that this missense change does not adversely affect protein function. In summary, the available evidence is currently insufficient to determine the role of this variant in disease. Therefore, it has been classified as a Variant of Uncertain Significance.

Ambry Genetics
Classification: Likely benign. Last evaluated: 2024-01-24. Review status: criteria provided, single submitter. Criteria: Ambry Variant Classification Scheme 2023. Collection method: clinical testing. Allele origin: germline.

NM_152309.3(PIK3AP1):c.317G>A (p.Arg106Gln)

Gene: PIK3AP1 (phosphoinositide-3-kinase adaptor protein 1; minus strand). Cytogenetic location: 10q24.1.
Variant type: single nucleotide variant.
Coding change: c.317G>A on transcript NM_152309.3 (MANE Select); coding-DNA position 317, G replaced by A.
Protein change: p.Arg106Gln; replaces arginine 106 with glutamine.
Molecular consequence: missense variant.
Genome position (GRCh38, 1-based): chr10:96,709,680, C>T on the plus strand (G>A on the coding strand, the complement: PIK3AP1 is on the minus strand). VCF-style: chr10-96709680-C-T. GRCh37 (hg19) VCF-style: chr10-98469437-C-T.
Other names: c.317G>A (NM_152309.2); short protein forms R106Q.
Identifiers: ClinVar variation 1465739 (VCV001465739.7), dbSNP rs1323743578, ClinGen allele CA377759395.